The following is an entry in ClinVar:

ClinVar aggregate classification (germline): Uncertain significance. Review status: criteria provided, multiple submitters, no conflicts (2 of 4 stars). 2 submissions from 2 submitters: Uncertain significance (2). Last evaluated 2024-09-26.

Conditions:
Immunodeficiency 98 with autoinflammation, X-linked (IMD98). Also called: INFLAMMATION, NEUTROPENIA, BONE MARROW FAILURE, AND LYMPHOPROLIFERATION CAUSED BY TLR8. Identifiers: Orphanet 675628, MedGen C5676883, MONDO:0024777, OMIM 301078.

Submissions (2):

Ambry Genetics
Classification: Uncertain significance. Last evaluated: 2024-09-26. Review status: criteria provided, single submitter. Criteria: Ambry Variant Classification Scheme 2023. Collection method: clinical testing. Allele origin: germline.

Laboratorio de Genetica e Diagnostico Molecular, Hospital Israelita Albert Einstein
Classification: Uncertain significance for Immunodeficiency 98 with autoinflammation, X-linked. Last evaluated: 2024-08-02. Review status: criteria provided, single submitter. Criteria: ACMG Guidelines, 2015. Collection method: clinical testing. Allele origin: germline. Affected: yes.
Comment: ACMG classification criteria: BP4 supporting

NM_138636.5(TLR8):c.286C>T (p.His96Tyr)

Genes: TLR8 (toll like receptor 8; plus strand), TLR8-AS1 (TLR8 antisense RNA 1; minus strand). Cytogenetic location: Xp22.2.
Variant type: single nucleotide variant.
Coding change: c.286C>T on transcript NM_138636.5 (MANE Select); coding-DNA position 286, C replaced by T.
Protein change: p.His96Tyr; replaces histidine 96 with tyrosine.
Molecular consequence: missense variant.
Genome position (GRCh38, 1-based): chrX:12,919,326, C>T. VCF-style: chrX-12919326-C-T. GRCh37 (hg19) VCF-style: chrX-12937445-C-T.
Other names: c.340C>T, p.His114Tyr (NM_016610.4); short protein forms H96Y, H114Y.
Identifiers: ClinVar variation 3457100 (VCV003457100.2).